The following is an entry in ClinVar:

ClinVar aggregate classification (germline): Uncertain significance. Review status: criteria provided, multiple submitters, no conflicts (2 of 4 stars). 2 submissions from 2 submitters: Uncertain significance (2). Last evaluated 2023-07-17.

Conditions:
Hereditary cancer-predisposing syndrome. Also called: Tumor predisposition; Neoplastic Syndromes, Hereditary; Hereditary Cancer Syndrome; Hereditary neoplastic syndrome. Identifiers: Orphanet 140162, MedGen C0027672, MeSH D009386, MONDO:0015356.

Submissions (2):

Labcorp Genetics (formerly Invitae), Labcorp
Classification: Uncertain significance. Last evaluated: 2023-07-17. Review status: criteria provided, single submitter. Criteria: Invitae Variant Classification Sherloc (09022015). Collection method: clinical testing. Allele origin: germline.
Comment: This sequence change replaces threonine, which is neutral and polar, with serine, which is neutral and polar, at codon 881 of the POLE protein (p.Thr881Ser). This variant is not present in population databases (gnomAD no frequency). This variant has not been reported in the literature in individuals affected with POLE-related conditions. ClinVar contains an entry for this variant (Variation ID: 1381744). Advanced modeling of protein sequence and biophysical properties (such as structural, functional, and spatial information, amino acid conservation, physicochemical variation, residue mobility, and thermodynamic stability) performed at Invitae indicates that this missense variant is not expected to disrupt POLE protein function. In summary, the available evidence is currently insufficient to determine the role of this variant in disease. Therefore, it has been classified as a Variant of Uncertain Significance.

Ambry Genetics
Classification: Uncertain significance for Hereditary cancer-predisposing syndrome. Last evaluated: 2022-05-26. Review status: criteria provided, single submitter. Criteria: Ambry Variant Classification Scheme 2023. Collection method: clinical testing. Allele origin: germline.
Comment: The p.T881S variant (also known as c.2642C>G), located in coding exon 23 of the POLE gene, results from a C to G substitution at nucleotide position 2642. The threonine at codon 881 is replaced by serine, an amino acid with similar properties. This amino acid position is conserved. In addition, this alteration is predicted to be tolerated by in silico analysis. Since supporting evidence is limited at this time, the clinical significance of this alteration remains unclear.

NM_006231.4(POLE):c.2642C>G (p.Thr881Ser)

Gene: POLE (DNA polymerase epsilon, catalytic subunit; minus strand). Cytogenetic location: 12q24.33.
Variant type: single nucleotide variant.
Coding change: c.2642C>G on transcript NM_006231.4 (MANE Select); coding-DNA position 2642, C replaced by G.
Protein change: p.Thr881Ser; replaces threonine 881 with serine.
Molecular consequence: missense variant.
Genome position (GRCh38, 1-based): chr12:132,664,068, G>C on the plus strand (C>G on the coding strand, the complement: POLE is on the minus strand). VCF-style: chr12-132664068-G-C. GRCh37 (hg19) VCF-style: chr12-133240654-G-C.
Other names: short protein forms T881S.
Identifiers: ClinVar variation 1381744 (VCV001381744.8), dbSNP rs2135956798, ClinGen allele CA387395458.